The following is an entry in ClinVar:

NM_177438.3(DICER1):c.1106A>T (p.Asp369Val)

Gene: DICER1 (dicer 1, ribonuclease III; minus strand). Cytogenetic location: 14q32.13.
Variant type: single nucleotide variant.
Coding change: c.1106A>T on transcript NM_177438.3 (MANE Select); coding-DNA position 1106, A replaced by T.
Protein change: p.Asp369Val; replaces aspartic acid 369 with valine.
Molecular consequence: missense variant. On other transcripts: 5 prime UTR variant (1), non-coding transcript variant (6).
Genome position (GRCh38, 1-based): chr14:95,124,466, T>A on the plus strand (A>T on the coding strand, the complement: DICER1 is on the minus strand). VCF-style: chr14-95124466-T-A. GRCh37 (hg19) VCF-style: chr14-95590803-T-A.
Other names: c.1106A>T, p.Asp369Val (NM_001195573.1, NM_001271282.3, NM_001291628.2 and 14 more transcripts); c.824A>T, p.Asp275Val (NM_001395686.1); c.701A>T, p.Asp234Val (NM_001395687.1, NM_001395688.1, NM_001395689.1 and 3 more transcripts); c.539A>T, p.Asp180Val (NM_001395691.1); c.-463A>T (NM_001395697.1); short protein forms D234V, D180V, D369V, D275V.
Identifiers: ClinVar variation 4781872 (VCV004781872.1).

ClinVar aggregate classification (germline): Uncertain significance (1 of 4 stars; one submission).

Conditions:
DICER1-related tumor predisposition. Also called: DICER1-related pleuropulmonary blastoma cancer predisposition syndrome; DICER1 syndrome. Identifiers: Orphanet 284343, MedGen C3839822, MONDO:0100216.

Submission:

Labcorp Genetics (formerly Invitae), Labcorp
Classification: Uncertain significance for DICER1-related tumor predisposition. Last evaluated: 2025-08-13. Review status: criteria provided, single submitter. Criteria: Invitae Variant Classification Sherloc (09022015). Collection method: clinical testing. Allele origin: germline.
Comment: This sequence change replaces aspartic acid, which is acidic and polar, with valine, which is neutral and non-polar, at codon 369 of the DICER1 protein (p.Asp369Val). This variant is not present in population databases (gnomAD no frequency). This variant has not been reported in the literature in individuals affected with DICER1-related conditions. Invitae Evidence Modeling of protein sequence and biophysical properties (such as structural, functional, and spatial information, amino acid conservation, physicochemical variation, residue mobility, and thermodynamic stability) indicates that this missense variant is not expected to disrupt DICER1 protein function with a negative predictive value of 95%. In summary, the available evidence is currently insufficient to determine the role of this variant in disease. Therefore, it has been classified as a Variant of Uncertain Significance.